The following is an entry in ClinVar:

ClinVar aggregate classification (germline): Uncertain significance. Review status: criteria provided, multiple submitters, no conflicts (2 of 4 stars). 3 submissions from 3 submitters: Uncertain significance (3). Last evaluated 2020-07-08.

Conditions:
Cardiovascular phenotype. Identifiers: MedGen CN230736.
Dilated cardiomyopathy 1G (CMD1G). Identifiers: Orphanet 154, MedGen C1858763, MONDO:0011400, OMIM 604145.
Autosomal recessive limb-girdle muscular dystrophy type 2J (LGMDR10). Also called: Limb-girdle muscular dystrophy, type 2J; MUSCULAR DYSTROPHY, LIMB-GIRDLE, AUTOSOMAL RECESSIVE 10. Identifiers: Orphanet 140922, MedGen C1837342, MONDO:0012127, OMIM 608807.

Allele frequency attached by ClinVar (database versions not stated): gnomAD exomes below 0.00001; ExAC 0.00001; gnomAD 0.00002; TOPMed 0.00002.
gnomAD v4.1: 8 of 1,612,576 alleles (0.0005%); highest among the groups gnomAD compares: African/African-American, 0.0054%; 1 homozygote.

Submissions (3):

Ambry Genetics
Classification: Uncertain significance for Cardiovascular phenotype. Last evaluated: 2020-07-08. Review status: criteria provided, single submitter. Criteria: Ambry Variant Classification Scheme 2023. Collection method: clinical testing. Allele origin: germline.
Comment: The p.E4988K variant (also known as c.14962G>A), located in coding exon 57 of the TTN gene, results from a G to A substitution at nucleotide position 14962. The glutamic acid at codon 4988 is replaced by lysine, an amino acid with similar properties. This amino acid position is highly conserved in available vertebrate species. In addition, this alteration is predicted to be tolerated by in silico analysis. Since supporting evidence is limited at this time, the clinical significance of this alteration remains unclear.

Labcorp Genetics (formerly Invitae), Labcorp
Classification: Uncertain significance for Dilated cardiomyopathy 1G; Autosomal recessive limb-girdle muscular dystrophy type 2J. Last evaluated: 2017-03-28. Review status: criteria provided, single submitter. Criteria: Invitae Variant Classification Sherloc (09022015). Collection method: clinical testing. Allele origin: germline.

Eurofins Ntd Llc (ga)
Classification: Uncertain significance. Last evaluated: 2016-06-08. Review status: criteria provided, single submitter. Criteria: EGL Classification Definitions 2015. Collection method: clinical testing. Allele origin: germline. Observed: 2 variant alleles, 1 heterozygote.

NM_001267550.2(TTN):c.42157G>A (p.Glu14053Lys)

Gene: TTN (titin; minus strand). Cytogenetic location: 2q31.2.
Variant type: single nucleotide variant.
Coding change: c.42157G>A on transcript NM_001267550.2 (MANE Select); coding-DNA position 42157, G replaced by A.
Protein change: p.Glu14053Lys; replaces glutamic acid 14053 with lysine.
Molecular consequence: missense variant.
Genome position (GRCh38, 1-based): chr2:178,634,624, C>T on the plus strand (G>A on the coding strand, the complement: TTN is on the minus strand). VCF-style: chr2-178634624-C-T. GRCh37 (hg19) VCF-style: chr2-179499351-C-T.
Other names: c.37234G>A, p.Glu12412Lys (NM_001256850.1); c.14962G>A, p.Glu4988Lys (NM_003319.4); c.34453G>A, p.Glu11485Lys (NM_133378.4); c.15337G>A, p.Glu5113Lys (NM_133432.3); c.15538G>A, p.Glu5180Lys (NM_133437.4); short protein forms E14053K, E11485K, E5113K, E5180K, E12412K, E4988K.
Identifiers: ClinVar variation 287759 (VCV000287759.9), dbSNP rs759050071, ClinGen allele CA1996128.
Genomic context (GRCh38, chr2:178,634,624, plus strand): 5'-ATCGAGCCTGTCGCCTTTCTGGAACAGTGACATCCTTCAGGGGCACAGCAAAGTCAAGTT[C>T]GATTTCTGAAAATCAGACATTAAGAATGAGGCTTTTCAGAATGCACAGGGAAGTGAAATA-3'
Protein context (NP_001254479.2, residues 14043-14063): TTAILTVKEI[Glu14053Lys]LDFAVPLKDV